The following is an entry in ClinVar:

NM_001846.4(COL4A2):c.1663A>C (p.Thr555Pro)

Genes: COL4A2 (collagen type IV alpha 2 chain; plus strand), COL4A2-AS2 (COL4A2 antisense RNA 2; minus strand). Cytogenetic location: 13q34.
Variant type: single nucleotide variant.
Coding change: c.1663A>C on transcript NM_001846.4 (MANE Select); coding-DNA position 1663, A replaced by C.
Protein change: p.Thr555Pro; replaces threonine 555 with proline.
Molecular consequence: missense variant.
Genome position (GRCh38, 1-based): chr13:110,462,180, A>C. VCF-style: chr13-110462180-A-C. GRCh37 (hg19) VCF-style: chr13-111114527-A-C.
Other names: short protein forms T555P.
Identifiers: ClinVar variation 2580824 (VCV002580824.4), dbSNP rs2502120324, ClinGen allele CA388738569.

ClinVar aggregate classification (germline): Uncertain significance. Review status: criteria provided, multiple submitters, no conflicts (2 of 4 stars). 2 submissions from 2 submitters: Uncertain significance (2). Last evaluated 2023-06-14.

Submissions (2):

Labcorp Genetics (formerly Invitae), Labcorp
Classification: Uncertain significance. Last evaluated: 2023-06-14. Review status: criteria provided, single submitter. Criteria: Invitae Variant Classification Sherloc (09022015). Collection method: clinical testing. Allele origin: germline.
Comment: This variant has not been reported in the literature in individuals affected with COL4A2-related conditions. This variant is not present in population databases (gnomAD no frequency). This sequence change replaces threonine, which is neutral and polar, with proline, which is neutral and non-polar, at codon 555 of the COL4A2 protein (p.Thr555Pro). Advanced modeling of protein sequence and biophysical properties (such as structural, functional, and spatial information, amino acid conservation, physicochemical variation, residue mobility, and thermodynamic stability) performed at Invitae indicates that this missense variant is not expected to disrupt COL4A2 protein function. In summary, the available evidence is currently insufficient to determine the role of this variant in disease. Therefore, it has been classified as a Variant of Uncertain Significance.

GeneDx
Classification: Uncertain significance. Last evaluated: 2023-03-09. Review status: criteria provided, single submitter. Criteria: GeneDx Variant Classification Process June 2021. Collection method: clinical testing. Allele origin: germline. Affected: yes.
Comment: Not observed at significant frequency in large population cohorts (gnomAD); In silico analysis supports that this missense variant does not alter protein structure/function; Has not been previously published as pathogenic or benign to our knowledge